The following is an entry in ClinVar:

ClinVar aggregate classification (germline): Pathogenic (1 of 4 stars; one submission).

Conditions:
GATA6-related disorder. Also called: GATA6-related condition.

Submission:

PreventionGenetics, part of Exact Sciences
Classification: Pathogenic for GATA6-related condition. Last evaluated: 2025-07-02. Review status: criteria provided, single submitter. Criteria: ACMG Guidelines, 2015. Collection method: clinical testing. Allele origin: germline.
Comment: The GATA6 c.966_972del7 variant is predicted to result in a frameshift and premature protein termination (p.Tyr323Thrfs*21). This variant has been reported de novo in an individual with intrauterine growth restriction, absent gallbladder, cystic duct and pancreas, congenital heart defects, neonatal diabetes, pancreatic exocrine insufficiency (Chao et al. 2015. PubMed ID: 25706805). This variant has not been reported in a large population database (gnomAD), indicating this variant is rare. In vitro functional studies revealed that this variant would generate a truncated protein that disrupts its role in transcription activation, leading the authors to conclude that this variant would be loss-of-function either via nonsense mediated decay or loss of the critical zinc finger domain (Chao et al. 2015. PubMed ID: 25706805). Frameshift variants in GATA6 are expected to be pathogenic. This variant is interpreted as pathogenic.

NM_005257.6(GATA6):c.966_972del (p.Tyr323fs)

Gene: GATA6 (GATA binding protein 6; plus strand). Cytogenetic location: 18q11.2.
Variant type: Deletion.
Coding change: c.966_972del on transcript NM_005257.6 (MANE Select); coding-DNA positions 966 to 972, 7 bases deleted (GTACCAC; older notation c.966_972delGTACCAC).
Protein change: p.Tyr323fs; shifts the reading frame from tyrosine 323.
Molecular consequence: frameshift variant.
Genome position (GRCh38, 1-based): chr18:22,172,110-22,172,116, GTACCAC deleted; deleting any 7 consecutive bases within chr18:22,172,108-22,172,116 gives the same sequence; the c. name uses the placement nearest the transcript's 3' end. VCF-style (leftmost placement, unchanged base first): chr18-22172107-GACGTACC-G. GRCh37 (hg19) VCF-style: chr18-19752068-GACGTACC-G.
Other names: short protein forms Y323fs.
Identifiers: ClinVar variation 4999584 (VCV004999584.1).